The following is an entry in ClinVar:

ClinVar aggregate classification (germline): Pathogenic (1 of 4 stars; one submission).

Conditions:
Familial cancer of breast. Also called: Hereditary breast cancer; hereditary breast carcinoma; BREAST CANCER, FAMILIAL. Identifiers: Orphanet 227535, MedGen C0346153, MONDO:0016419, OMIM 114480. Disease mechanism: loss of function.
Fanconi anemia complementation group J. Also called: BRIP1-Related Fanconi Anemia. Identifiers: Orphanet 84, MedGen C1836860, MONDO:0012187, OMIM 609054.

Submission:

Labcorp Genetics (formerly Invitae), Labcorp
Classification: Pathogenic for Familial cancer of breast; Fanconi anemia complementation group J. Last evaluated: 2022-02-02. Review status: criteria provided, single submitter. Criteria: Invitae Variant Classification Sherloc (09022015). Collection method: clinical testing. Allele origin: germline.
Comment: For these reasons, this variant has been classified as Pathogenic. This variant has not been reported in the literature in individuals affected with BRIP1-related conditions. This variant is not present in population databases (gnomAD no frequency). This sequence change creates a premature translational stop signal (p.Gln685Argfs*3) in the BRIP1 gene. It is expected to result in an absent or disrupted protein product. Loss-of-function variants in BRIP1 are known to be pathogenic (PMID: 16116423, 17033622, 21964575).

Literature cited by the submitters: PubMed 16116423; PubMed 17033622; PubMed 21964575.

NM_032043.3(BRIP1):c.2053del (p.Gln685fs)

Gene: BRIP1 (BRCA1 interacting DNA helicase 1; minus strand). Cytogenetic location: 17q23.2.
Variant type: Deletion.
Coding change: c.2053del on transcript NM_032043.3 (MANE Select); coding-DNA position 2053, one base deleted (C; older notation c.2053delC).
Protein change: p.Gln685fs; shifts the reading frame from glutamine 685.
Molecular consequence: frameshift variant.
Genome position (GRCh38, 1-based): chr17:61,776,445, G deleted on the plus strand (C on the coding strand, the reverse complement: BRIP1 is on the minus strand); the first of 2 consecutive G bases (chr17:61,776,445-61,776,446); deleting either gives the same sequence. VCF-style (leftmost placement, unchanged base first): chr17-61776444-TG-T. GRCh37 (hg19) VCF-style: chr17-59853805-TG-T.
Other names: short protein forms Q685fs.
Identifiers: ClinVar variation 1400728 (VCV001400728.7), dbSNP rs2145028011, ClinGen allele CA2573154292.
Genomic context (GRCh38, chr17:61,776,444, plus strand): 5'-AATAAATATTCCCTTACCTTGTAAGATGGCAAGAAACACAAAATTCCTTGGCTCACAGTC[TG>T]GCACACAGATAACAAAAGTGCTCCCACTTCATCTTGGAACTCAAATGTTTCAGTATTCTG-3'